The following is an entry in ClinVar:

NM_206933.4(USH2A):c.13660C>A (p.Pro4554Thr)

Gene: USH2A (usherin; minus strand). Cytogenetic location: 1q41.
Variant type: single nucleotide variant.
Coding change: c.13660C>A on transcript NM_206933.4 (MANE Select); coding-DNA position 13660, C replaced by A.
Protein change: p.Pro4554Thr; replaces proline 4554 with threonine.
Molecular consequence: missense variant.
Genome position (GRCh38, 1-based): chr1:215,674,251, G>T on the plus strand (C>A on the coding strand, the complement: USH2A is on the minus strand). VCF-style: chr1-215674251-G-T. GRCh37 (hg19) VCF-style: chr1-215847593-G-T.
Other names: short protein forms P4554T.
Identifiers: ClinVar variation 3700210 (VCV003700210.2).

ClinVar aggregate classification (germline): Uncertain significance (1 of 4 stars; one submission).

Submission:

Labcorp Genetics (formerly Invitae), Labcorp
Classification: Uncertain significance. Last evaluated: 2025-02-24. Review status: criteria provided, single submitter. Criteria: Invitae Variant Classification Sherloc (09022015). Collection method: clinical testing. Allele origin: germline.
Comment: This sequence change replaces proline, which is neutral and non-polar, with threonine, which is neutral and polar, at codon 4554 of the USH2A protein (p.Pro4554Thr). This variant is not present in population databases (gnomAD no frequency). This variant has not been reported in the literature in individuals affected with USH2A-related conditions. Invitae Evidence Modeling of protein sequence and biophysical properties (such as structural, functional, and spatial information, amino acid conservation, physicochemical variation, residue mobility, and thermodynamic stability) indicates that this missense variant is not expected to disrupt USH2A protein function with a negative predictive value of 95%. In summary, the available evidence is currently insufficient to determine the role of this variant in disease. Therefore, it has been classified as a Variant of Uncertain Significance.